The following is an entry in ClinVar:

ClinVar aggregate classification (germline): Benign/Likely benign. Review status: criteria provided, multiple submitters, no conflicts (2 of 4 stars). 11 submissions from 11 submitters: Benign (5); Likely benign (3). 3 of the submissions do not count toward it. Last evaluated 2026-01-27.

Conditions:
SMS-related disorder. Also called: SMS-related condition.
Inborn genetic diseases. Identifiers: MedGen C0950123, MeSH D030342.
Intellectual developmental disorder, X-linked, syndromic, Snyder-Robinson type. Also called: Spermine synthase deficiency; Syndromic X-linked intellectual disability Snyder type; SNYDER-ROBINSON MENTAL RETARDATION SYNDROME; X-linked mental retardation Snyder - Robinson type. Identifiers: Orphanet 3063, MedGen C0796160, MONDO:0010664, OMIM 309583.

Allele frequency attached by ClinVar (database versions not stated): 1000 Genomes Project 0.00106; 1000 Genomes Project 30x 0.00125; gnomAD exomes 0.00359 and 0.00572; ExAC 0.00361; gnomAD 0.00380 and 0.00399; TOPMed 0.00380; ESP Exome Variant Server 0.00606.
gnomAD v4.1: 6,543 of 1,194,374 alleles (0.55%); highest among the groups gnomAD compares: Non-Finnish European, 0.69%; 12 homozygotes.

Submissions (11):

Labcorp Genetics (formerly Invitae), Labcorp
Classification: Benign. Last evaluated: 2026-01-27. Review status: criteria provided, single submitter. Criteria: Invitae Variant Classification Sherloc (09022015). Collection method: clinical testing. Allele origin: germline.

Blueprint Genetics
Classification: Likely benign. Last evaluated: 2024-11-22. Review status: criteria provided, single submitter. Criteria: ACMG Guidelines, 2015. Collection method: clinical testing. Allele origin: germline.

Mayo Clinic Laboratories, Mayo Clinic
Classification: Benign. Last evaluated: 2022-03-30. Review status: criteria provided, single submitter. Criteria: ACMG Guidelines, 2015. Collection method: clinical testing. Allele origin: germline. Observed: 4 variant alleles.
Comment: BS1, BS2, BP4, BP7

Fulgent Genetics
Classification: Likely benign for Intellectual developmental disorder, X-linked, syndromic, Snyder-Robinson type. Last evaluated: 2021-12-01. Review status: criteria provided, single submitter. Criteria: ACMG Guidelines, 2015. Collection method: clinical testing. Allele origin: unknown.

Athena Diagnostics
Classification: Benign. Last evaluated: 2017-01-25. Review status: criteria provided, single submitter. Criteria: Athena Diagnostics Criteria. Collection method: clinical testing. Allele origin: germline.

Ambry Genetics
Classification: Benign for Inborn genetic diseases. Last evaluated: 2016-10-11. Review status: criteria provided, single submitter. Criteria: Ambry Variant Classification Scheme 2023. Collection method: clinical testing. Allele origin: germline.

Genetic Services Laboratory, University of Chicago
Classification: Likely benign. Last evaluated: 2015-05-15. Review status: criteria provided, single submitter. Criteria: ACMG Guidelines, 2015. Collection method: clinical testing. Allele origin: germline.

Eurofins Ntd Llc (ga)
Classification: Benign. Last evaluated: 2014-11-12. Review status: criteria provided, single submitter. Criteria: EGL Classification Definitions 2015. Collection method: clinical testing. Allele origin: germline. Observed: 1 variant allele, 1 hemizygote.

PreventionGenetics, part of Exact Sciences
Classification: Benign for SMS-related condition. Last evaluated: 2019-05-21. Review status: no assertion criteria provided. Collection method: clinical testing. Allele origin: germline. Not counted in ClinVar's aggregate classification.
Comment: This variant is classified as benign based on ACMG/AMP sequence variant interpretation guidelines (Richards et al. 2015 PMID: 25741868, with internal and published modifications).

Clinical Genetics DNA and cytogenetics Diagnostics Lab, Erasmus MC, Erasmus Medical Center
Classification: Benign. Review status: no assertion criteria provided. Collection method: clinical testing. Allele origin: germline. Affected: yes. Study: VKGL Data-share Consensus. Not counted in ClinVar's aggregate classification.

Diagnostic Laboratory, Department of Genetics, University Medical Center Groningen
Classification: Likely benign for Intellectual developmental disorder, X-linked, syndromic, Snyder-Robinson type. Review status: no assertion criteria provided. Collection method: clinical testing. Allele origin: germline. Affected: yes. Study: VKGL Data-share Consensus. Not counted in ClinVar's aggregate classification.

Literature cited by the submitters: PubMed 19377476 (cited by Athena Diagnostics).

NM_004595.5(SMS):c.1026A>C (p.Ser342=)

Gene: SMS (spermine synthase; plus strand). Cytogenetic location: Xp22.11.
Variant type: single nucleotide variant.
Coding change: c.1026A>C on transcript NM_004595.5 (MANE Select); coding-DNA position 1026, A replaced by C.
Protein change: p.Ser342=; no amino-acid change (serine 342 retained).
Molecular consequence: synonymous variant.
Genome position (GRCh38, 1-based): chrX:21,992,677, A>C. VCF-style: chrX-21992677-A-C. GRCh37 (hg19) VCF-style: chrX-22010795-A-C.
Other names: p.Ser342=; c.867A>C, p.Ser289= (NM_001258423.2).
Identifiers: ClinVar variation 193675 (VCV000193675.28), dbSNP rs61732077, ClinGen allele CA200723.